The following is an entry in ClinVar:

NM_000038.6(APC):c.2196T>C (p.Asn732=)

Gene: APC (APC regulator of Wnt signaling pathway; plus strand). Cytogenetic location: 5q22.2.
Variant type: single nucleotide variant.
Coding change: c.2196T>C on transcript NM_000038.6 (MANE Select); coding-DNA position 2196, T replaced by C.
Protein change: p.Asn732=; no amino-acid change (asparagine 732 retained).
Molecular consequence: synonymous variant.
Genome position (GRCh38, 1-based): chr5:112,837,790, T>C. VCF-style: chr5-112837790-T-C. GRCh37 (hg19) VCF-style: chr5-112173487-T-C.
Other names: c.2196T>C, p.Asn732= (NM_001127510.3, NM_001354895.2); c.2142T>C, p.Asn714= (NM_001127511.3); c.2250T>C, p.Asn750= (NM_001354896.2); c.2226T>C, p.Asn742= (NM_001354897.2); c.2121T>C, p.Asn707= (NM_001354898.2); c.2112T>C, p.Asn704= (NM_001354899.2); c.2073T>C, p.Asn691= (NM_001354900.2); c.2019T>C, p.Asn673= (NM_001354901.2); and 5 more.
Identifiers: ClinVar variation 216155 (VCV000216155.21), dbSNP rs781693283, ClinGen allele CA030952.

ClinVar aggregate classification (germline): Benign/Likely benign. Review status: criteria provided, multiple submitters, no conflicts (2 of 4 stars). 6 submissions from 6 submitters: Benign (1); Likely benign (4). 1 of the submissions does not count toward it. Last evaluated 2026-01-18.

Conditions:
Classic or attenuated familial adenomatous polyposis. Identifiers: MedGen CN372698, MONDO:0021057.
Hereditary cancer-predisposing syndrome. Also called: Hereditary Cancer Syndrome; Hereditary neoplastic syndrome; Neoplastic Syndromes, Hereditary; Tumor predisposition. Identifiers: Orphanet 140162, MedGen C0027672, MeSH D009386, MONDO:0015356.
Familial adenomatous polyposis 1 (FAP1). Also called: FAMILIAL ADENOMATOUS POLYPOSIS 1, ATTENUATED; POLYPOSIS, ADENOMATOUS INTESTINAL. Identifiers: MedGen C2713442, MONDO:0021056, OMIM 175100. Disease mechanism: loss of function.

Allele frequency attached by ClinVar (database versions not stated): gnomAD exomes below 0.00001; ExAC 0.00001; TOPMed 0.00001.
gnomAD v4.1: 6 of 1,614,046 alleles (0.00037%); highest among the groups gnomAD compares: Non-Finnish European, 0.00051%; no homozygotes.

Submissions (6):

Labcorp Genetics (formerly Invitae), Labcorp
Classification: Likely benign for Familial adenomatous polyposis 1. Last evaluated: 2026-01-18. Review status: criteria provided, single submitter. Criteria: Invitae Variant Classification Sherloc (09022015). Collection method: clinical testing. Allele origin: germline.

All of Us Research Program, National Institutes of Health
Classification: Likely benign for Classic or attenuated familial adenomatous polyposis. Last evaluated: 2023-12-18. Review status: criteria provided, single submitter. Criteria: ACMG Guidelines, 2015. Collection method: clinical testing. Allele origin: germline. Inheritance: Autosomal dominant inheritance. Observed: 1 variant allele, 1 heterozygote.
Comment: This study involves interpretation of variants in research participants for the purpose of population health screening. Participant phenotype was not available at the time of variant classification. Additional details can be found in publication PMID: 35346344, PMCID: PMC8962531

Myriad Genetics, Inc.
Classification: Benign for Familial adenomatous polyposis 1. Last evaluated: 2023-02-16. Review status: criteria provided, single submitter. Criteria: Myriad Autosomal Dominant, Autosomal Recessive and X-Linked Classification Criteria (2023). Collection method: clinical testing. Allele origin: unknown.
Comment: This variant is considered benign. This variant is a silent/synonymous amino acid change and it is not expected to impact splicing.

Ambry Genetics
Classification: Likely benign for Hereditary cancer-predisposing syndrome. Last evaluated: 2017-10-25. Review status: criteria provided, single submitter. Criteria: Ambry Variant Classification Scheme 2023. Collection method: clinical testing. Allele origin: germline.

Color Diagnostics, LLC DBA Color Health
Classification: Likely benign for Hereditary cancer-predisposing syndrome. Last evaluated: 2017-09-14. Review status: criteria provided, single submitter. Criteria: ACMG Guidelines, 2015. Collection method: clinical testing. Allele origin: germline.

Counsyl
Classification: Likely benign for Familial adenomatous polyposis 1. Last evaluated: 2017-06-19. Review status: no assertion criteria provided. Collection method: clinical testing. Allele origin: unknown. Not counted in ClinVar's aggregate classification.